The following is an entry in ClinVar:

ClinVar aggregate classification (germline): Benign/Likely benign. Review status: criteria provided, multiple submitters, no conflicts (2 of 4 stars). 4 submissions from 4 submitters: Benign (2); Likely benign (2). Last evaluated 2026-06-01.

Conditions:
Hereditary cancer-predisposing syndrome. Also called: Neoplastic Syndromes, Hereditary; Tumor predisposition; Hereditary neoplastic syndrome; Hereditary Cancer Syndrome. Identifiers: Orphanet 140162, MedGen C0027672, MeSH D009386, MONDO:0015356.
Gorlin syndrome. Also called: Basal cell nevus syndrome; Nevoid Basal Cell Carcinoma Syndrome. Identifiers: Orphanet 377, MedGen C0004779, MONDO:0007187.
Medulloblastoma (MDB). Also called: Medulloblastoma, somatic; MEDULLOBLASTOMA PREDISPOSITION SYNDROME. Identifiers: Orphanet 616, MedGen C0025149, MeSH D008527, MONDO:0007959, OMIM 155255, HP:0002885.

Allele frequency attached by ClinVar (database versions not stated): TOPMed 0.00001; gnomAD exomes 0.00005; ExAC 0.00007.
gnomAD v4.1: 33 of 1,614,150 alleles (0.002%); highest among the groups gnomAD compares: Non-Finnish European, 0.0025%; no homozygotes.

Submissions (4):

CeGaT Center for Human Genetics Tuebingen
Classification: Likely benign. Last evaluated: 2026-06-01. Review status: criteria provided, single submitter. Criteria: CeGaT Center For Human Genetics Tuebingen Variant Classification Criteria Version 2. Collection method: clinical testing. Allele origin: germline. Affected: yes. Observed: 1 variant allele.
Comment: SUFU: BP4, BP7

Labcorp Genetics (formerly Invitae), Labcorp
Classification: Likely benign for Gorlin syndrome; Medulloblastoma. Last evaluated: 2025-11-17. Review status: criteria provided, single submitter. Criteria: Invitae Variant Classification Sherloc (09022015). Collection method: clinical testing. Allele origin: germline.

Quest Diagnostics Nichols Institute San Juan Capistrano
Classification: Benign. Last evaluated: 2025-06-20. Review status: criteria provided, single submitter. Criteria: Quest Diagnostics criteria. Collection method: clinical testing. Allele origin: unknown.

Ambry Genetics
Classification: Benign for Hereditary cancer-predisposing syndrome. Last evaluated: 2022-01-25. Review status: criteria provided, single submitter. Criteria: Ambry Variant Classification Scheme 2023. Collection method: clinical testing. Allele origin: germline.

NM_016169.4(SUFU):c.1059G>A (p.Thr353=)

Gene: SUFU (SUFU negative regulator of hedgehog signaling; plus strand). Cytogenetic location: 10q24.32.
Variant type: single nucleotide variant.
Coding change: c.1059G>A on transcript NM_016169.4 (MANE Select); coding-DNA position 1059, G replaced by A.
Protein change: p.Thr353=; no amino-acid change (threonine 353 retained).
Molecular consequence: synonymous variant.
Genome position (GRCh38, 1-based): chr10:102,615,304, G>A. VCF-style: chr10-102615304-G-A. GRCh37 (hg19) VCF-style: chr10-104375061-G-A.
Other names: c.1059G>A, p.Thr353= (NM_001178133.2).
Identifiers: ClinVar variation 1105581 (VCV001105581.14), dbSNP rs780683814, ClinGen allele CA5667866.